The following is an entry in ClinVar:

ClinVar aggregate classification (germline): Uncertain significance (1 of 4 stars; one submission).

Conditions:
Cardiovascular phenotype. Identifiers: MedGen CN230736.

Submission:

Ambry Genetics
Classification: Uncertain significance for Cardiovascular phenotype. Last evaluated: 2019-10-11. Review status: criteria provided, single submitter. Criteria: Ambry Variant Classification Scheme 2023. Collection method: clinical testing. Allele origin: germline.
Comment: The c.2828dupC variant, located in coding exon 19 of the VCL gene, results from a duplication of C at nucleotide position 2828, causing a translational frameshift with a predicted alternate stop codon (p.D944*). This alteration is expected to result in loss of function by premature protein truncation or nonsense-mediated mRNA decay. However, this alteration impacts only one of the two main VCL isoforms (the metavinculin isoform), and loss of function of the metavinculin isoform has not been clearly established as a mechanism of disease. Since supporting evidence is limited at this time, the clinical significance of this alteration remains unclear.

NM_014000.3(VCL):c.2828dup (p.Pro943_Asp944insTer)

Gene: VCL (vinculin; plus strand). Cytogenetic location: 10q22.2.
Variant type: Duplication.
Coding change: c.2828dup on transcript NM_014000.3 (MANE Select); coding-DNA position 2828, one base duplicated (C; older notation c.2828dupC).
Protein change: p.Pro943_Asp944insTer.
Molecular consequence: frameshift variant. On other transcripts: intron variant (1), nonsense (1).
Genome position (GRCh38, 1-based): chr10:74,111,991, C duplicated; the last of 6 consecutive C bases (chr10:74,111,986-74,111,991); duplicating any one gives the same sequence. VCF-style (leftmost placement, unchanged base first): chr10-74111985-T-TC. GRCh37 (hg19) VCF-style: chr10-75871743-T-TC.
Other names: c.2746-2193dup (NM_003373.4); c.2828dupC (NM_014000.2).
Identifiers: ClinVar variation 1796521 (VCV001796521.2), dbSNP rs1840230101, ClinGen allele CA2580081943.